The following is an entry in ClinVar:

ClinVar aggregate classification (germline): Conflicting classifications of pathogenicity. Review status: criteria provided, conflicting classifications (1 of 4 stars). 7 submissions from 7 submitters: Uncertain significance (2); Benign (1); Likely benign (4). Last evaluated 2026-09-01.

Conditions:
Inborn genetic diseases. Identifiers: MedGen C0950123, MeSH D030342.
Developmental and epileptic encephalopathy, 12 (DEE12). Identifiers: MedGen C3150988, MONDO:0013389, OMIM 613722.
Microcephaly, seizures, and developmental delay. Identifiers: Orphanet 1934, MedGen C3150667, MONDO:0013254, OMIM 613402.

Allele frequency attached by ClinVar (database versions not stated): gnomAD exomes 0.00018 and 0.00019; ExAC 0.00022; ESP Exome Variant Server 0.00023; gnomAD 0.00046 and 0.00047; TOPMed 0.00046; 1000 Genomes Project 30x 0.00047; 1000 Genomes Project 0.00060.
gnomAD v4.1: 331 of 1,613,786 alleles (0.021%); highest among the groups gnomAD compares: African/African-American, 0.17%; no homozygotes.

Submissions (7):

CeGaT Center for Human Genetics Tuebingen
Classification: Likely benign. Last evaluated: 2026-09-01. Review status: criteria provided, single submitter. Criteria: CeGaT Center For Human Genetics Tuebingen Variant Classification Criteria Version 2. Collection method: clinical testing. Allele origin: germline. Affected: yes. Observed: 3 variant alleles.
Comment: PNKP: BP4, BP7

Labcorp Genetics (formerly Invitae), Labcorp
Classification: Likely benign for Developmental and epileptic encephalopathy, 12. Last evaluated: 2026-01-28. Review status: criteria provided, single submitter. Criteria: Invitae Variant Classification Sherloc (09022015). Collection method: clinical testing. Allele origin: germline.

Blueprint Genetics
Classification: Likely benign. Last evaluated: 2024-09-20. Review status: criteria provided, single submitter. Criteria: ACMG Guidelines, 2015. Collection method: clinical testing. Allele origin: germline.

Illumina Laboratory Services, Illumina
Classification: Uncertain significance for Microcephaly, seizures, and developmental delay. Last evaluated: 2017-04-27. Review status: criteria provided, single submitter. Criteria: ICSL Variant Classification Criteria 13 December 2019. Collection method: clinical testing. Allele origin: germline.

Eurofins Ntd Llc (ga)
Classification: Uncertain significance. Last evaluated: 2016-07-07. Review status: criteria provided, single submitter. Criteria: EGL Classification Definitions 2015. Collection method: clinical testing. Allele origin: germline. Observed: 1 variant allele, 1 heterozygote.

Ambry Genetics
Classification: Likely benign for Inborn genetic diseases. Last evaluated: 2016-05-02. Review status: criteria provided, single submitter. Criteria: Ambry Variant Classification Scheme 2023. Collection method: clinical testing. Allele origin: germline.

GeneDx
Classification: Benign. Last evaluated: 2013-11-27. Review status: criteria provided, single submitter. Criteria: GeneDx Variant Classification (06012015). Collection method: clinical testing. Allele origin: germline. Affected: yes.
Comment: This variant is considered likely benign or benign based on one or more of the following criteria: it is a conservative change, it occurs at a poorly conserved position in the protein, it is predicted to be benign by multiple in silico algorithms, and/or has population frequency not consistent with disease.

NM_007254.4(PNKP):c.519C>T (p.Asp173=)

Gene: PNKP (polynucleotide kinase 3'-phosphatase; minus strand). Cytogenetic location: 19q13.33.
Variant type: single nucleotide variant.
Coding change: c.519C>T on transcript NM_007254.4 (MANE Select); coding-DNA position 519, C replaced by T.
Protein change: p.Asp173=; no amino-acid change (aspartic acid 173 retained).
Molecular consequence: synonymous variant.
Genome position (GRCh38, 1-based): chr19:49,864,383, G>A on the plus strand (C>T on the coding strand, the complement: PNKP is on the minus strand). VCF-style: chr19-49864383-G-A. GRCh37 (hg19) VCF-style: chr19-50367640-G-A.
Other names: p.D173D:GAC>GAT.
Identifiers: ClinVar variation 138708 (VCV000138708.47), dbSNP rs144284975, ClinGen allele CA292794.
Genomic context (GRCh38, chr19:49,864,383, plus strand): 5'-CCTCCAGTCACTGGGGCCAGTGGGAAAGACCTTCCCAGAGCGTGTGGTGATGAGCGTCCC[G>A]TCCAGATCAAAGCCAGCCACCTGGTGTCACCAAGGAAAGACAAACAGCAGCACTGTGATA-3'
Protein context (NP_009185.2, residues 163-183): PQGKVAGFDL[Asp173=]GTLITTRSGK